The following is an entry in ClinVar:

ClinVar aggregate classification (germline): Uncertain significance (1 of 4 stars; one submission).

Conditions:
Inborn genetic diseases. Identifiers: MedGen C0950123, MeSH D030342.

gnomAD v4.1: 1 of 1,596,512 alleles (0.000063%); highest among the groups gnomAD compares: Non-Finnish European, 0.000086%; no homozygotes.

Submission:

Ambry Genetics
Classification: Uncertain significance for Inborn genetic diseases. Last evaluated: 2026-01-15. Review status: criteria provided, single submitter. Criteria: Ambry Variant Classification Scheme 2023. Collection method: clinical testing. Allele origin: germline.
Comment: The p.D38Y variant (also known as c.112G>T), located in coding exon 2 of the MBD4 gene, results from a G to T substitution at nucleotide position 112. The aspartic acid at codon 38 is replaced by tyrosine, an amino acid with highly dissimilar properties. This amino acid position is conserved. In addition, this alteration is predicted to be tolerated by in silico analysis. Based on the available evidence, the clinical significance of this variant remains unclear.

NM_001276270.2(MBD4):c.112G>T (p.Asp38Tyr)

Gene: MBD4 (methyl-CpG binding domain 4, DNA glycosylase; minus strand). Cytogenetic location: 3q21.3.
Variant type: single nucleotide variant.
Coding change: c.112G>T on transcript NM_001276270.2 (MANE Select); coding-DNA position 112, G replaced by T.
Protein change: p.Asp38Tyr; replaces aspartic acid 38 with tyrosine.
Molecular consequence: missense variant.
Genome position (GRCh38, 1-based): chr3:129,437,943, C>A on the plus strand (G>T on the coding strand, the complement: MBD4 is on the minus strand). VCF-style: chr3-129437943-C-A. GRCh37 (hg19) VCF-style: chr3-129156786-C-A.
Other names: c.112G>T, p.Asp38Tyr (NM_001276271.2, NM_001276272.2, NM_001276273.2 and 1 more transcripts); short protein forms D38Y.
Identifiers: ClinVar variation 4825693 (VCV004825693.1).